The following is an entry in ClinVar:

ClinVar aggregate classification (germline): Uncertain significance (1 of 4 stars; one submission).

Allele frequency attached by ClinVar (database versions not stated): gnomAD exomes below 0.00001; ExAC 0.00001.
gnomAD v4.1: 1 of 1,602,456 alleles (0.000062%); highest among the groups gnomAD compares: Non-Finnish European, 0.000085%; no homozygotes.

Submission:

Labcorp Genetics (formerly Invitae), Labcorp
Classification: Uncertain significance. Last evaluated: 2020-10-21. Review status: criteria provided, single submitter. Criteria: Invitae Variant Classification Sherloc (09022015). Collection method: clinical testing. Allele origin: germline.
Comment: In summary, the available evidence is currently insufficient to determine the role of this variant in disease. Therefore, it has been classified as a Variant of Uncertain Significance. Algorithms developed to predict the effect of missense changes on protein structure and function are either unavailable or do not agree on the potential impact of this missense change (SIFT: "Tolerated"; PolyPhen-2: "Possibly Damaging"; Align-GVGD: "Class C0"). This variant has not been reported in the literature in individuals with RECQL-related conditions. This variant is present in population databases (rs772953268, ExAC 0.002%). This sequence change replaces lysine with glutamic acid at codon 571 of the RECQL protein (p.Lys571Glu). The lysine residue is moderately conserved and there is a small physicochemical difference between lysine and glutamic acid.

NM_002907.4(RECQL):c.1711A>G (p.Lys571Glu)

Genes: PYROXD1 (pyridine nucleotide-disulphide oxidoreductase domain 1; plus strand), RECQL (RecQ like helicase; minus strand). Cytogenetic location: 12p12.1.
Variant type: single nucleotide variant.
Coding change: c.1711A>G on transcript NM_002907.4 (MANE Select); coding-DNA position 1711, A replaced by G.
Protein change: p.Lys571Glu; replaces lysine 571 with glutamic acid.
Molecular consequence: missense variant. On other transcripts: 3 prime UTR variant (3).
Genome position (GRCh38, 1-based): chr12:21,471,055, T>C on the plus strand (A>G on the coding strand, the complement: RECQL is on the minus strand). VCF-style: chr12-21471055-T-C. GRCh37 (hg19) VCF-style: chr12-21623989-T-C.
Other names: c.1711A>G, p.Lys571Glu (NM_032941.3); c.*2301T>C (NM_001350912.2, NM_001350913.2, NM_024854.5); short protein forms K571E.
Identifiers: ClinVar variation 1037261 (VCV001037261.8), dbSNP rs772953268, ClinGen allele CA6478667.
Genomic context (GRCh38, chr12:21,471,055, plus strand): 5'-TCACTTGCATAGTAATAGCATGTGCCTCATTGTTCAGAAGATTAGCTTTAGGTCCTATTT[T>C]CAAATACGAAATGGTAGCATAAGCTGTAAAACTGTAGTCTTCTCTGCAGAAAATAAAGGC-3'
Protein context (NP_002898.2, residues 561-581): FTAYATISYL[Lys571Glu]IGPKANLLNN